The following is an entry in ClinVar:

ClinVar aggregate classification (germline): Uncertain significance (1 of 4 stars; one submission).

Conditions:
RYR1-related disorder. Also called: RYR1-related condition; RYR1-related disorders. Identifiers: MedGen CN239331.

gnomAD v4.1: 9 of 1,610,390 alleles (0.00056%); highest among the groups gnomAD compares: South Asian, 0.0011%; no homozygotes.

Submission:

Labcorp Genetics (formerly Invitae), Labcorp
Classification: Uncertain significance for RYR1-related disorder. Last evaluated: 2025-10-28. Review status: criteria provided, single submitter. Criteria: Invitae Variant Classification Sherloc (09022015). Collection method: clinical testing. Allele origin: germline.
Comment: This sequence change replaces alanine, which is neutral and non-polar, with valine, which is neutral and non-polar, at codon 434 of the RYR1 protein (p.Ala434Val). This variant is present in population databases (no rsID available, gnomAD 0.007%). This missense change has been observed in individual(s) with autosomal dominant central core myopathy (PMID: 32140910). Invitae Evidence Modeling of protein sequence and biophysical properties (such as structural, functional, and spatial information, amino acid conservation, physicochemical variation, residue mobility, and thermodynamic stability) indicates that this missense variant is not expected to disrupt RYR1 protein function with a negative predictive value of 95%. In summary, the available evidence is currently insufficient to determine the role of this variant in disease. Therefore, it has been classified as a Variant of Uncertain Significance.

Literature cited by the submitters: PubMed 32140910.

NM_000540.3(RYR1):c.1301C>T (p.Ala434Val)

Gene: RYR1 (ryanodine receptor 1; plus strand). Cytogenetic location: 19q13.2.
Variant type: single nucleotide variant.
Coding change: c.1301C>T on transcript NM_000540.3 (MANE Select); coding-DNA position 1301, C replaced by T.
Protein change: p.Ala434Val; replaces alanine 434 with valine.
Molecular consequence: missense variant.
Genome position (GRCh38, 1-based): chr19:38,452,875, C>T. VCF-style: chr19-38452875-C-T. GRCh37 (hg19) VCF-style: chr19-38943515-C-T.
Other names: c.1301C>T, p.Ala434Val (NM_001042723.2); short protein forms A434V.
Identifiers: ClinVar variation 4754669 (VCV004754669.1).